The following is an entry in ClinVar:

NM_001386298.1(CIC):c.1800C>T (p.Ala600=)

Gene: CIC (capicua transcriptional repressor; plus strand). Cytogenetic location: 19q13.2.
Variant type: single nucleotide variant.
Coding change: c.1800C>T on transcript NM_001386298.1 (MANE Select); coding-DNA position 1800, C replaced by T.
Protein change: p.Ala600=; no amino-acid change (alanine 600 retained).
Molecular consequence: synonymous variant. On other transcripts: genic upstream transcript variant (1).
Genome position (GRCh38, 1-based): chr19:42,273,583, C>T. VCF-style: chr19-42273583-C-T. GRCh37 (hg19) VCF-style: chr19-42777735-C-T.
Other names: c.1800C>T, p.Ala600= (NM_001304815.2, NM_001379480.1, NM_001379482.1 and 1 more transcripts); c.-11122C>T (NM_015125.5).
Identifiers: ClinVar variation 3063995 (VCV003063995.3), dbSNP rs1027164921, ClinGen allele CA308615536.

ClinVar aggregate classification (germline): Conflicting classifications of pathogenicity. Review status: criteria provided, conflicting classifications (1 of 4 stars). 3 submissions from 3 submitters: Uncertain significance (1); Likely benign (2). Last evaluated 2025-11-26.

Conditions:
CIC-related disorder. Also called: CIC-related condition.

Allele frequency attached by ClinVar (database versions not stated): gnomAD 0.00002; TOPMed 0.00004; gnomAD exomes 0.00007.

Submissions (3):

PreventionGenetics, part of Exact Sciences
Classification: Likely benign for CIC-related condition. Last evaluated: 2025-11-26. Review status: criteria provided, single submitter. Criteria: ACMG Guidelines, 2015. Collection method: clinical testing. Allele origin: germline.
Comment: This variant is classified as likely benign based on ACMG/AMP sequence variant interpretation guidelines (Richards et al. 2015 PMID: 25741868, with internal and published modifications).

Blueprint Genetics
Classification: Likely benign. Last evaluated: 2024-08-07. Review status: criteria provided, single submitter. Criteria: ACMG Guidelines, 2015. Collection method: clinical testing. Allele origin: germline.

Women's Health and Genetics/Laboratory Corporation of America, LabCorp
Classification: Uncertain significance. Last evaluated: 2024-01-19. Review status: criteria provided, single submitter. Criteria: LabCorp Variant Classification Summary - May 2015. Collection method: clinical testing. Allele origin: germline.
Comment: Variant summary: CIC c.-11122C>T (NM_015125.5) is located in the untranscribed region upstream of the CIC gene region, however, also corresponds to NM_001304815.2:c.1800C>T (p.Ala600Ala) where it results in a synonymous change and is not predicted to disrupt splicing according to consensus agreement among computational tools. These predictions have not yet been confirmed by functional studies. The variant allele was found at a frequency of 5.3e-05 in 398438 control chromosomes (i.e., 21 alleles, no homozygotes; gnomAD v4.0.0). The available data on variant occurrences in the general population are insufficient to allow any conclusion about variant significance. To our knowledge, no occurrence of c.-11122C>T in individuals affected with Mental Retardation, Autosomal Dominant 45 and no experimental evidence demonstrating its impact on protein function have been reported. No submitters have reported clinical-significance assessments for this variant to ClinVar. Based on the evidence outlined above, the variant was classified as uncertain significance.